The following is an entry in ClinVar:

ClinVar aggregate classification (germline): Uncertain significance (1 of 4 stars; one submission).

Submission:

Labcorp Genetics (formerly Invitae), Labcorp
Classification: Uncertain significance. Last evaluated: 2025-08-11. Review status: criteria provided, single submitter. Criteria: Invitae Variant Classification Sherloc (09022015). Collection method: clinical testing. Allele origin: germline.
Comment: This variant, c.1622_1633del, results in the deletion of 4 amino acid(s) of the POLE protein (p.Gly541_Val544del), but otherwise preserves the integrity of the reading frame. This variant is not present in population databases (gnomAD no frequency). This variant has not been reported in the literature in individuals affected with POLE-related conditions. Experimental studies and prediction algorithms are not available or were not evaluated, and the functional significance of this variant is currently unknown. In summary, the available evidence is currently insufficient to determine the role of this variant in disease. Therefore, it has been classified as a Variant of Uncertain Significance.

NM_006231.4(POLE):c.1622_1633del (p.Gly541_Val544del)

Gene: POLE (DNA polymerase epsilon, catalytic subunit; minus strand). Cytogenetic location: 12q24.33.
Variant type: Deletion.
Coding change: c.1622_1633del on transcript NM_006231.4 (MANE Select); coding-DNA positions 1622 to 1633, 12 bases deleted (GGGGCCACGTGG).
Protein change: p.Gly541_Val544del.
Molecular consequence: inframe deletion.
Genome position (GRCh38, 1-based): chr12:132,672,680-132,672,691, CCACGTGGCCCC deleted on the plus strand (GGGGCCACGTGG on the coding strand, the reverse complement: POLE is on the minus strand); deleting any 12 consecutive bases within chr12:132,672,680-132,672,692 gives the same sequence; the c. name uses the placement nearest the transcript's 3' end. VCF-style (leftmost placement, unchanged base first): chr12-132672679-TCCACGTGGCCCC-T. GRCh37 (hg19) VCF-style: chr12-133249265-TCCACGTGGCCCC-T.
Identifiers: ClinVar variation 4725209 (VCV004725209.1).